The following is an entry in ClinVar:

NM_002519.3(NPAT):c.145G>A (p.Ala49Thr)

Gene: NPAT (nuclear protein, coactivator of histone transcription; minus strand). Cytogenetic location: 11q22.3.
Variant type: single nucleotide variant.
Coding change: c.145G>A on transcript NM_002519.3 (MANE Select); coding-DNA position 145, G replaced by A.
Protein change: p.Ala49Thr; replaces alanine 49 with threonine.
Molecular consequence: missense variant.
Genome position (GRCh38, 1-based): chr11:108,197,313, C>T on the plus strand (G>A on the coding strand, the complement: NPAT is on the minus strand). VCF-style: chr11-108197313-C-T. GRCh37 (hg19) VCF-style: chr11-108068040-C-T.
Other names: c.145G>A, p.Ala49Thr (NM_001321307.1); short protein forms A49T.
Identifiers: ClinVar variation 3300656 (VCV003300656.1).

ClinVar aggregate classification (germline): Uncertain significance (1 of 4 stars; one submission).

Submission:

Ambry Genetics
Classification: Uncertain significance. Last evaluated: 2024-04-05. Review status: criteria provided, single submitter. Criteria: Ambry Variant Classification Scheme 2023. Collection method: clinical testing. Allele origin: germline.
Comment: The p.A49T variant (also known as c.145G>A), located in coding exon 2 of the NPAT gene, results from a G to A substitution at nucleotide position 145. The alanine at codon 49 is replaced by threonine, an amino acid with similar properties. This amino acid position is conserved. In addition, this alteration is predicted to be tolerated by in silico analysis. Based on the available evidence, the clinical significance of this variant remains unclear.